The following is an entry in ClinVar:

NM_001042492.3(NF1):c.4872_4874dup (p.Tyr1625Ter)

Gene: NF1 (neurofibromin 1; plus strand). Cytogenetic location: 17q11.2.
Variant type: Duplication.
Coding change: c.4872_4874dup on transcript NM_001042492.3 (MANE Select); coding-DNA positions 4872 to 4874, 3 bases duplicated (ATA; older notation c.4872_4874dupATA).
Protein change: p.Tyr1625Ter; replaces tyrosine 1625 with a stop codon.
Molecular consequence: nonsense.
Genome position (GRCh38, 1-based): chr17:31,325,856-31,325,858, ATA duplicated. VCF-style (leftmost placement, unchanged base first): chr17-31325855-T-TATA. GRCh37 (hg19) VCF-style: chr17-29652873-T-TATA.
Other names: c.4809_4811dup, p.Tyr1604_Phe1938delinsTer (NM_000267.4); short protein forms Y1604*, Y1625*.
Identifiers: ClinVar variation 2763344 (VCV002763344.3), dbSNP rs2508694361, ClinGen allele CA2697559542.

ClinVar aggregate classification (germline): Pathogenic (1 of 4 stars; one submission).

Conditions:
Neurofibromatosis, type 1 (NF1). Also called: VON RECKLINGHAUSEN DISEASE; Neurofibromatosis, type I; NEUROFIBROMATOSIS, TYPE I, SOMATIC; Peripheral type neurofibromatosis. Identifiers: Orphanet 636, MedGen C0027831, MONDO:0018975, OMIM 162200. Disease mechanism: loss of function.

Submission:

Labcorp Genetics (formerly Invitae), Labcorp
Classification: Pathogenic for Neurofibromatosis, type 1. Last evaluated: 2023-09-26. Review status: criteria provided, single submitter. Criteria: Invitae Variant Classification Sherloc (09022015). Collection method: clinical testing. Allele origin: germline.
Comment: This sequence change creates a premature translational stop signal (p.Tyr1604*) in the NF1 gene. It is expected to result in an absent or disrupted protein product. Loss-of-function variants in NF1 are known to be pathogenic (PMID: 10712197, 23913538). This variant is not present in population databases (gnomAD no frequency). This premature translational stop signal has been observed in individual(s) with neurofibromatosis (PMID: 23656349, 23913538). For these reasons, this variant has been classified as Pathogenic.

Literature cited by the submitters: PubMed 10712197; PubMed 23913538; PubMed 23656349.